The following is an entry in ClinVar:

NM_024408.4(NOTCH2):c.5775C>T (p.Val1925=)

Gene: NOTCH2 (notch receptor 2; minus strand). Cytogenetic location: 1p12.
Variant type: single nucleotide variant.
Coding change: c.5775C>T on transcript NM_024408.4 (MANE Select); coding-DNA position 5775, C replaced by T.
Protein change: p.Val1925=; no amino-acid change (valine 1925 retained).
Molecular consequence: synonymous variant.
Genome position (GRCh38, 1-based): chr1:119,919,318, G>A on the plus strand (C>T on the coding strand, the complement: NOTCH2 is on the minus strand). VCF-style: chr1-119919318-G-A. GRCh37 (hg19) VCF-style: chr1-120461941-G-A.
Other names: c.5775C>T (NM_024408.3).
Identifiers: ClinVar variation 1126250 (VCV001126250.9), dbSNP rs368986104, ClinGen allele CA1039575.

ClinVar aggregate classification (germline): Likely benign. Review status: criteria provided, multiple submitters, no conflicts (2 of 4 stars). 3 submissions from 3 submitters: Likely benign (3). Last evaluated 2025-11-10.

Conditions:
Hajdu-Cheney syndrome (HJCYS). Also called: Acroosteolysis dominant type; ACROOSTEOLYSIS WITH OSTEOPOROSIS AND CHANGES IN SKULL AND MANDIBLE; SERPENTINE FIBULA-POLYCYSTIC KIDNEY SYNDROME. Identifiers: Orphanet 955, MedGen C0917715, MONDO:0007057, OMIM 102500.
NOTCH2-related disorder. Also called: NOTCH2-related condition.

Allele frequency attached by ClinVar (database versions not stated): ExAC 0.00002; gnomAD exomes 0.00002 and 0.00006; TOPMed 0.00003; gnomAD 0.00004; ESP Exome Variant Server 0.00015.
gnomAD v4.1: 95 of 1,611,228 alleles (0.0059%); highest among the groups gnomAD compares: Middle Eastern, 0.02%; no homozygotes.

Submissions (3):

PreventionGenetics, part of Exact Sciences
Classification: Likely benign for NOTCH2-related condition. Last evaluated: 2025-11-10. Review status: criteria provided, single submitter. Criteria: ACMG Guidelines, 2015. Collection method: clinical testing. Allele origin: germline.
Comment: This variant is classified as likely benign based on ACMG/AMP sequence variant interpretation guidelines (Richards et al. 2015 PMID: 25741868, with internal and published modifications).

Labcorp Genetics (formerly Invitae), Labcorp
Classification: Likely benign for Hajdu-Cheney syndrome. Last evaluated: 2023-09-20. Review status: criteria provided, single submitter. Criteria: Invitae Variant Classification Sherloc (09022015). Collection method: clinical testing. Allele origin: germline.

Blueprint Genetics
Classification: Likely benign. Last evaluated: 2023-05-05. Review status: criteria provided, single submitter. Criteria: ACMG Guidelines, 2015. Collection method: clinical testing. Allele origin: germline.